The following is an entry in ClinVar:

NM_033343.4(LHX4):c.482G>A (p.Arg161Gln)

Genes: ACBD6 (acyl-CoA binding domain containing 6; minus strand), LHX4 (LIM homeobox 4; plus strand), LHX4-AS1 (LHX4 antisense RNA 1; minus strand). Cytogenetic location: 1q25.2.
Variant type: single nucleotide variant.
Coding change: c.482G>A on transcript NM_033343.4 (MANE Select); coding-DNA position 482, G replaced by A.
Protein change: p.Arg161Gln; replaces arginine 161 with glutamine.
Molecular consequence: missense variant. On other transcripts: non-coding transcript variant (1).
Genome position (GRCh38, 1-based): chr1:180,271,410, G>A. VCF-style: chr1-180271410-G-A. GRCh37 (hg19) VCF-style: chr1-180240545-G-A.
Other names: short protein forms R161Q.
Identifiers: ClinVar variation 2580732 (VCV002580732.2), dbSNP rs1558224110, ClinGen allele CA343597683.

ClinVar aggregate classification (germline): Uncertain significance. Review status: criteria provided, multiple submitters, no conflicts (2 of 4 stars). 2 submissions from 2 submitters: Uncertain significance (2). Last evaluated 2026-02-17.

Conditions:
Inborn genetic diseases. Identifiers: MedGen C0950123, MeSH D030342.

Allele frequency attached by ClinVar (database versions not stated): gnomAD exomes below 0.00001.
gnomAD v4.1: 1 of 1,614,142 alleles (0.000062%); highest among the groups gnomAD compares: Non-Finnish European, 0.000085%; no homozygotes.

Submissions (2):

Ambry Genetics
Classification: Uncertain significance for Inborn genetic diseases. Last evaluated: 2026-02-17. Review status: criteria provided, single submitter. Criteria: Ambry Variant Classification Scheme 2023. Collection method: clinical testing. Allele origin: germline.

GeneDx
Classification: Uncertain significance. Last evaluated: 2023-03-25. Review status: criteria provided, single submitter. Criteria: GeneDx Variant Classification Process June 2021. Collection method: clinical testing. Allele origin: germline. Affected: yes.
Comment: Not observed at significant frequency in large population cohorts (gnomAD); In silico analysis supports that this missense variant has a deleterious effect on protein structure/function; Has not been previously published as pathogenic or benign to our knowledge